The following is an entry in ClinVar:

ClinVar aggregate classification (germline): Likely benign. Review status: criteria provided, multiple submitters, no conflicts (2 of 4 stars). 3 submissions from 3 submitters: Likely benign (2). 1 of the submissions does not count toward it. Last evaluated 2026-05-29.

Conditions:
VPS13A-related neurodegenerative disease. Also called: Choreoacanthocytosis; Chorea-acanthocytosis; VPS13A Disease; Choreaacanthocytosis; LEVINE-CRITCHLEY SYNDROME; ACANTHOCYTOSIS WITH NEUROLOGIC DISORDER. Identifiers: Orphanet 2388, MedGen C0393576, MONDO:0008695, OMIM 200150.

Allele frequency attached by ClinVar (database versions not stated): 1000 Genomes Project 0.00040; ExAC 0.00046; 1000 Genomes Project 30x 0.00047; gnomAD 0.00011 and 0.00012; TOPMed 0.00022.
gnomAD v4.1: 155 of 1,614,152 alleles (0.0096%); highest among the groups gnomAD compares: Admixed American, 0.25%; 1 homozygote.

Submissions (3):

Women's Health and Genetics/Laboratory Corporation of America, LabCorp
Classification: Likely benign. Last evaluated: 2026-05-29. Review status: criteria provided, single submitter. Criteria: LabCorp Variant Classification Summary - May 2015. Collection method: clinical testing. Allele origin: germline.
Comment: Variant summary: VPS13A c.9037A>G (p.Ile3013Val) results in a conservative amino acid change in the encoded protein sequence. Algorithms developed to predict the effect of missense changes on protein structure and function are either unavailable or do not agree on the potential impact of this missense change. The variant allele was found at a frequency of 0.00051 in 251250 control chromosomes, predominantly at a frequency of 0.0036 within the Latino subpopulation in the gnomAD database, including 1 homozygotes. The observed variant frequency within Latino control individuals in the gnomAD database exceeds the estimated maximal expected allele frequency for disease-causing variants in VPS13A. To our knowledge, no occurrence of c.9037A>G in individuals affected with VPS13A-related conditions and no experimental evidence demonstrating its impact on protein function have been reported. ClinVar contains an entry for this variant (Variation ID: 698964). Based on the evidence outlined above, the variant was classified as likely benign.

Labcorp Genetics (formerly Invitae), Labcorp
Classification: Likely benign. Last evaluated: 2025-12-12. Review status: criteria provided, single submitter. Criteria: Invitae Variant Classification Sherloc (09022015). Collection method: clinical testing. Allele origin: germline.

Natera, Inc.
Classification: Benign for Choreaacanthocytosis. Last evaluated: 2020-09-29. Review status: no assertion criteria provided. Collection method: clinical testing. Allele origin: germline. Not counted in ClinVar's aggregate classification.

NM_033305.3(VPS13A):c.9037A>G (p.Ile3013Val)

Gene: VPS13A (vacuolar protein sorting 13 homolog A; plus strand). Cytogenetic location: 9q21.2.
Variant type: single nucleotide variant.
Coding change: c.9037A>G on transcript NM_033305.3 (MANE Select); coding-DNA position 9037, A replaced by G.
Protein change: p.Ile3013Val; replaces isoleucine 3013 with valine.
Molecular consequence: missense variant.
Genome position (GRCh38, 1-based): chr9:77,371,109, A>G. VCF-style: chr9-77371109-A-G. GRCh37 (hg19) VCF-style: chr9-79986025-A-G.
Other names: c.8920A>G, p.Ile2974Val (NM_001018037.2); c.9037A>G, p.Ile3013Val (NM_001018038.3, NM_015186.4); short protein forms I3013V, I2974V.
Identifiers: ClinVar variation 698964 (VCV000698964.13), dbSNP rs185663133, ClinGen allele CA5093843.
Genomic context (GRCh38, chr9:77,371,109, plus strand): 5'-GGTTTCTTTAAAGGTGTTGGGAAAGGTTTAGTAGGAGCGGTAGCAAGGCCAACTGGAGGC[A>G]TCATAGACATGGCTAGCAGTACATTTCAGGGAATAAAAAGGTAAATCCTCTTTGGTGTAA-3'
Protein context (NP_150648.2, residues 3003-3023): VGAVARPTGG[Ile3013Val]IDMASSTFQG